The following is an entry in ClinVar:

ClinVar aggregate classification (germline): Uncertain significance (1 of 4 stars; one submission).

Conditions:
PHGDH deficiency. Identifiers: Orphanet 79351, MedGen C1866174, MONDO:0011152, OMIM 601815.

Submission:

Labcorp Genetics (formerly Invitae), Labcorp
Classification: Uncertain significance for PHGDH deficiency. Last evaluated: 2018-04-05. Review status: criteria provided, single submitter. Criteria: Invitae Variant Classification Sherloc (09022015). Collection method: clinical testing. Allele origin: germline.
Comment: This sequence change falls in intron 4 of the PHGDH gene. It does not directly change the encoded amino acid sequence of the PHGDH protein, but it affects a nucleotide within the consensus splice site of the intron. This variant is not present in population databases (ExAC no frequency). This variant has not been reported in the literature in individuals with PHGDH-related disease. Nucleotide substitutions within the consensus splice site are a relatively common cause of aberrant splicing (PMID: 17576681, 9536098). Algorithms developed to predict the effect of sequence changes on RNA splicing suggest that this variant may disrupt the consensus splice site, but this prediction has not been confirmed by published transcriptional studies. In summary, the available evidence is currently insufficient to determine the role of this variant in disease. Therefore, it has been classified as a Variant of Uncertain Significance.

Literature cited by the submitters: PubMed 17576681; PubMed 9536098.

NM_006623.4(PHGDH):c.411+5G>T

Gene: PHGDH (phosphoglycerate dehydrogenase; plus strand). Cytogenetic location: 1p12.
Variant type: single nucleotide variant.
Coding change: c.411+5G>T on transcript NM_006623.4 (MANE Select); 5 bases into the intron after coding-DNA position 411, G replaced by T.
Molecular consequence: intron variant.
Genome position (GRCh38, 1-based): chr1:119,726,910, G>T. VCF-style: chr1-119726910-G-T. GRCh37 (hg19) VCF-style: chr1-120269533-G-T.
Identifiers: ClinVar variation 565930 (VCV000565930.6), dbSNP rs775568707, ClinGen allele CA891842454.